The following is an entry in ClinVar:

NM_001079855.2(GYG2):c.1039-15C>T

Gene: GYG2 (glycogenin 2; plus strand). Cytogenetic location: Xp22.33.
Variant type: single nucleotide variant.
Coding change: c.1039-15C>T on transcript NM_001079855.2 (MANE Select); 15 bases into the intron before coding-DNA position 1039, C replaced by T.
Molecular consequence: intron variant.
Genome position (GRCh38, 1-based): chrX:2,875,795, C>T. VCF-style: chrX-2875795-C-T. GRCh37 (hg19) VCF-style: chrX-2793836-C-T.
Other names: c.1132-15C>T (NM_003918.3); c.1132-5257C>T (NM_001184703.2); c.1039-15C>T (NM_001184702.2); c.574-5257C>T (NM_001184704.2).
Identifiers: ClinVar variation 514215 (VCV000514215.1), dbSNP rs755824446, ClinGen allele CA10337241.

ClinVar aggregate classification (germline): Likely benign (1 of 4 stars; one submission).

gnomAD v4.1: 3 of 1,099,342 alleles (0.00027%); highest among the groups gnomAD compares: Admixed American, 0.0044%; no homozygotes.

Submission:

GeneDx
Classification: Likely benign. Last evaluated: 2017-12-20. Review status: criteria provided, single submitter. Criteria: GeneDx Variant Classification (06012015). Collection method: clinical testing. Allele origin: germline. Affected: yes.
Comment: This variant is considered likely benign or benign based on one or more of the following criteria: it is a conservative change, it occurs at a poorly conserved position in the protein, it is predicted to be benign by multiple in silico algorithms, and/or has population frequency not consistent with disease.